The following is an entry in ClinVar:

ClinVar aggregate classification (germline): Likely benign. Review status: criteria provided, multiple submitters, no conflicts (2 of 4 stars). 3 submissions from 3 submitters: Likely benign (3). Last evaluated 2025-05-27.

gnomAD v4.1: 24 of 1,613,376 alleles (0.0015%); highest among the groups gnomAD compares: East Asian, 0.011%; no homozygotes.

Submissions (3):

Women's Health and Genetics/Laboratory Corporation of America, LabCorp
Classification: Likely benign. Last evaluated: 2025-05-27. Review status: criteria provided, single submitter. Criteria: LabCorp Variant Classification Summary - May 2015. Collection method: clinical testing. Allele origin: germline.
Comment: Variant summary: ARHGEF10 c.459C>T results in a synonymous change. Consensus agreement among computation tools predict no significant impact on normal splicing. However, these predictions have yet to be confirmed by functional studies. The variant allele was found at a frequency of 2.4e-05 in 250838 control chromosomes. The available data on variant occurrences in the general population are insufficient to allow any conclusion about variant significance. To our knowledge, no occurrence of c.459C>T in individuals affected with Autosomal dominant slowed nerve conduction velocity and no experimental evidence demonstrating its impact on protein function have been reported. ClinVar contains an entry for this variant (Variation ID: 3425113). Based on the evidence outlined above, the variant was classified as likely benign.

Labcorp Genetics (formerly Invitae), Labcorp
Classification: Likely benign. Last evaluated: 2025-02-03. Review status: criteria provided, single submitter. Criteria: Invitae Variant Classification Sherloc (09022015). Collection method: clinical testing. Allele origin: germline.

Ambry Genetics
Classification: Likely benign. Last evaluated: 2024-07-02. Review status: criteria provided, single submitter. Criteria: Ambry Variant Classification Scheme 2023. Collection method: clinical testing. Allele origin: germline.

NM_014629.4(ARHGEF10):c.459C>T (p.Cys153=)

Gene: ARHGEF10 (Rho guanine nucleotide exchange factor 10; plus strand). Cytogenetic location: 8p23.3.
Variant type: single nucleotide variant.
Coding change: c.459C>T on transcript NM_014629.4 (MANE Select); coding-DNA position 459, C replaced by T.
Protein change: p.Cys153=; no amino-acid change (cysteine 153 retained).
Molecular consequence: synonymous variant.
Genome position (GRCh38, 1-based): chr8:1,860,162, C>T. VCF-style: chr8-1860162-C-T. GRCh37 (hg19) VCF-style: chr8-1808328-C-T.
Other names: c.459C>T, p.Cys153= (NM_001308152.2, NM_001308153.3).
Identifiers: ClinVar variation 3425113 (VCV003425113.3).